The following is an entry in ClinVar:

ClinVar aggregate classification (germline): Uncertain significance. Review status: criteria provided, multiple submitters, no conflicts (2 of 4 stars). 2 submissions from 2 submitters: Uncertain significance (2). Last evaluated 2024-10-29.

Conditions:
MYH14-related disorder. Also called: MYH14-related condition.
Inborn genetic diseases. Identifiers: MedGen C0950123, MeSH D030342.

Allele frequency attached by ClinVar (database versions not stated): gnomAD 0.00001; gnomAD exomes 0.00001; TOPMed 0.00003.
gnomAD v4.1: 10 of 1,552,444 alleles (0.00064%); highest among the groups gnomAD compares: African/African-American, 0.0055%; no homozygotes.

Submissions (2):

PreventionGenetics, part of Exact Sciences
Classification: Uncertain significance for MYH14-related condition. Last evaluated: 2024-10-29. Review status: criteria provided, single submitter. Criteria: ACMG Guidelines, 2015. Collection method: clinical testing. Allele origin: germline.
Comment: The MYH14 c.3419G>A variant is predicted to result in the amino acid substitution p.Arg1140Gln. To our knowledge, this variant has not been reported in the literature. This variant is reported in 0.0059% of alleles in individuals of African descent in gnomAD. At this time, the clinical significance of this variant is uncertain due to the absence of conclusive functional and genetic evidence.

Ambry Genetics
Classification: Uncertain significance for Inborn genetic diseases. Last evaluated: 2022-07-11. Review status: criteria provided, single submitter. Criteria: Ambry Variant Classification Scheme 2023. Collection method: clinical testing. Allele origin: germline.

NM_001145809.2(MYH14):c.3419G>A (p.Arg1140Gln)

Gene: MYH14 (myosin heavy chain 14; plus strand). Cytogenetic location: 19q13.33.
Variant type: single nucleotide variant.
Coding change: c.3419G>A on transcript NM_001145809.2 (MANE Select); coding-DNA position 3419, G replaced by A.
Protein change: p.Arg1140Gln; replaces arginine 1140 with glutamine.
Molecular consequence: missense variant.
Genome position (GRCh38, 1-based): chr19:50,272,683, G>A. VCF-style: chr19-50272683-G-A. GRCh37 (hg19) VCF-style: chr19-50775940-G-A.
Other names: c.3320G>A, p.Arg1107Gln (NM_001077186.2); c.3296G>A, p.Arg1099Gln (NM_024729.4); c.3419G>A (NM_001145809.1); short protein forms R1140Q, R1099Q, R1107Q.
Identifiers: ClinVar variation 2370205 (VCV002370205.3), dbSNP rs1396226848, ClinGen allele CA406952992.
Genomic context (GRCh38, chr19:50,272,683, plus strand): 5'-GGGAGAGCTCAGAGCTGCAGGAGCAGATGGTGGAGCAGCAACAGCGGGCAGAGGAGCTGC[G>A]GGCCCAGCTGGGCCGGAAGGAGGAGGAGCTGCAGGCTGCCCTGGCCAGGTGCAGGGTGGG-3'
Protein context (NP_001139281.1, residues 1130-1150): VEQQQRAEEL[Arg1140Gln]AQLGRKEEEL